The following is an entry in ClinVar:

ClinVar aggregate classification (germline): Pathogenic (1 of 4 stars; one submission).

Conditions:
Carnitine palmitoyl transferase 1A deficiency. Also called: CPT deficiency, hepatic, type IA; Carnitine palmitoyltransferase type I deficiency; CPT I DEFICIENCY; CPT DEFICIENCY, HEPATIC, TYPE I; Carnitine palmitoyltransferase 1A deficiency. Identifiers: Orphanet 156, MedGen C1829703, MONDO:0009705, OMIM 255120.

Submission:

Myriad Genetics, Inc.
Classification: Pathogenic for Carnitine palmitoyl transferase 1A deficiency. Last evaluated: 2025-01-16. Review status: criteria provided, single submitter. Criteria: Myriad Autosomal Dominant, Autosomal Recessive and X-Linked Classification Criteria (2023). Collection method: clinical testing. Allele origin: unknown.
Comment: NM_001876.3(CPT1A):c.1295delC(P432Rfs*99) is expected to be pathogenic in the context of carnitine palmitoyltransferase IA deficiency. This variant is predicted to lead to an abnormal or absent protein product due to the creation of a premature termination codon in CPT1A, a gene where loss-of-function variants are known to be pathogenic. Please note: this variant was assessed in the context of healthy population screening.

NM_001876.4(CPT1A):c.1295del (p.Pro432fs)

Genes: CPT1A (carnitine palmitoyltransferase 1A; minus strand), LOC126861244 (BRD4-independent group 4 enhancer GRCh37_chr11:68549035-68550234; plus strand). Cytogenetic location: 11q13.3.
Variant type: Deletion.
Coding change: c.1295del on transcript NM_001876.4 (MANE Select); coding-DNA position 1295, one base deleted (C; older notation c.1295delC).
Protein change: p.Pro432fs; shifts the reading frame from proline 432.
Molecular consequence: frameshift variant.
Genome position (GRCh38, 1-based): chr11:68,781,828, G deleted on the plus strand (C on the coding strand, the reverse complement: CPT1A is on the minus strand); the first of 3 consecutive G bases (chr11:68,781,828-68,781,830); deleting any one gives the same sequence. VCF-style (leftmost placement, unchanged base first): chr11-68781827-CG-C. GRCh37 (hg19) VCF-style: chr11-68549295-CG-C.
Other names: c.1295del, p.Pro432fs (NM_001031847.3, NM_001440358.1, NM_001440359.1 and 3 more transcripts); c.1187del, p.Pro396fs (NM_001440363.1); c.1109del, p.Pro370fs (NM_001440365.1); short protein forms P370fs, P396fs, P432fs.
Identifiers: ClinVar variation 5013973 (VCV005013973.1).